The following is an entry in ClinVar:

ClinVar aggregate classification (germline): Uncertain significance (1 of 4 stars; one submission).

gnomAD v4.1: 2 of 1,614,088 alleles (0.00012%); highest among the groups gnomAD compares: Non-Finnish European, 0.000085%; no homozygotes.

Submission:

Women's Health and Genetics/Laboratory Corporation of America, LabCorp
Classification: Uncertain significance. Last evaluated: 2025-12-23. Review status: criteria provided, single submitter. Criteria: LabCorp Variant Classification Summary - May 2015. Collection method: clinical testing. Allele origin: germline.
Comment: Variant summary: CDK13 c.1586G>A (p.Gly529Asp) results in a non-conservative amino acid change in the encoded protein sequence. Algorithms developed to predict the effect of missense changes on protein structure and function are either unavailable or do not agree on the potential impact of this missense change. The variant was absent in 251064 control chromosomes. The available data on variant occurrences in the general population are insufficient to allow any conclusion about variant significance. To our knowledge, no occurrence of c.1586G>A in individuals affected with CDK13-related conditions and no experimental evidence demonstrating its impact on protein function have been reported. No submitters have cited clinical-significance assessments for this variant to ClinVar. Based on the evidence outlined above, the variant was classified as uncertain significance.

NM_003718.5(CDK13):c.1586G>A (p.Gly529Asp)

Gene: CDK13 (cyclin dependent kinase 13; plus strand). Cytogenetic location: 7p14.1.
Variant type: single nucleotide variant.
Coding change: c.1586G>A on transcript NM_003718.5 (MANE Select); coding-DNA position 1586, G replaced by A.
Protein change: p.Gly529Asp; replaces glycine 529 with aspartic acid.
Molecular consequence: missense variant.
Genome position (GRCh38, 1-based): chr7:39,987,973, G>A. VCF-style: chr7-39987973-G-A. GRCh37 (hg19) VCF-style: chr7-40027572-G-A.
Other names: c.1586G>A, p.Gly529Asp (NM_031267.4); short protein forms G529D.
Identifiers: ClinVar variation 4688889 (VCV004688889.1).
Genomic context (GRCh38, chr7:39,987,973, plus strand): 5'-CAAACCATGTGAAGGATGTGAAGAAAATTAAAATTGAACATGCACCTTCTCCCTCAAGTG[G>A]TGGAACTTTAAAAAATGACAAAGCAAAAACAAAGCCACCTCTTCAGGTAACGAAGGTGGA-3'
Protein context (NP_003709.3, residues 519-539): KIEHAPSPSS[Gly529Asp]GTLKNDKAKT